The following is an entry in ClinVar:

NM_001605.3(AARS1):c.1664G>T (p.Ser555Ile)

Gene: AARS1 (alanyl-tRNA synthetase 1; minus strand). Cytogenetic location: 16q22.1.
Variant type: single nucleotide variant.
Coding change: c.1664G>T on transcript NM_001605.3 (MANE Select); coding-DNA position 1664, G replaced by T.
Protein change: p.Ser555Ile; replaces serine 555 with isoleucine.
Molecular consequence: missense variant.
Genome position (GRCh38, 1-based): chr16:70,262,353, C>A on the plus strand (G>T on the coding strand, the complement: AARS1 is on the minus strand). VCF-style: chr16-70262353-C-A. GRCh37 (hg19) VCF-style: chr16-70296256-C-A.
Other names: short protein forms S555I.
Identifiers: ClinVar variation 245833 (VCV000245833.16), dbSNP rs144982168, ClinGen allele CA8140738.
Genomic context (GRCh38, chr16:70,262,353, plus strand): 5'-CCCGGCTCCACGCCTGGCCCTCCTCGGCTAACAAGGAAGAACTGTTGGCTCACATCTTCA[C>A]TGCTGTCATCCACCTTCACCAGGTAGCCTTCGTCATAGATCTGGCCTCCTTGCTCAGCAT-3'
Protein context (NP_001596.2, residues 545-565): EGYLVKVDDS[Ser555Ile]EDKTEFTVKN

ClinVar aggregate classification (germline): Conflicting classifications of pathogenicity. Review status: criteria provided, conflicting classifications (1 of 4 stars). 6 submissions from 6 submitters: Uncertain significance (5); Likely benign (1). Last evaluated 2026-01-21.

Conditions:
Developmental and epileptic encephalopathy, 29 (DEE29). Also called: Epileptic encephalopathy, early infantile, 29. Identifiers: Orphanet 442835, MedGen C4225361, MONDO:0014593, OMIM 616339.
Trichothiodystrophy 8, nonphotosensitive. Identifiers: MedGen C5562057, MONDO:0030517, OMIM 619691.
AARS1-related disorder. Also called: AARS1-related condition.
Inborn genetic diseases. Identifiers: MedGen C0950123, MeSH D030342.
Charcot-Marie-Tooth disease type 2. Also called: Charcot-Marie-Tooth type 2. Identifiers: Orphanet 64746, MedGen C0270914, MONDO:0018993.

Allele frequency attached by ClinVar (database versions not stated): gnomAD 0.00001 and 0.00003; gnomAD exomes 0.00004 and 0.00006; ExAC 0.00006; TOPMed 0.00006; 1000 Genomes Project 30x 0.00031; 1000 Genomes Project 0.00040.
gnomAD v4.1: 63 of 1,614,224 alleles (0.0039%); highest among the groups gnomAD compares: Middle Eastern, 0.15%; no homozygotes.

Submissions (6):

Labcorp Genetics (formerly Invitae), Labcorp
Classification: Uncertain significance for Charcot-Marie-Tooth disease type 2. Last evaluated: 2026-01-21. Review status: criteria provided, single submitter. Criteria: Invitae Variant Classification Sherloc (09022015). Collection method: clinical testing. Allele origin: germline.
Comment: This sequence change replaces serine, which is neutral and polar, with isoleucine, which is neutral and non-polar, at codon 555 of the AARS protein (p.Ser555Ile). This variant is present in population databases (rs144982168, gnomAD 0.009%). This variant has not been reported in the literature in individuals affected with AARS-related conditions. ClinVar contains an entry for this variant (Variation ID: 245833). Invitae Evidence Modeling of protein sequence and biophysical properties (such as structural, functional, and spatial information, amino acid conservation, physicochemical variation, residue mobility, and thermodynamic stability) indicates that this missense variant is not expected to disrupt AARS protein function with a negative predictive value of 80%. In summary, the available evidence is currently insufficient to determine the role of this variant in disease. Therefore, it has been classified as a Variant of Uncertain Significance.

Ambry Genetics
Classification: Uncertain significance for Inborn genetic diseases. Last evaluated: 2025-11-08. Review status: criteria provided, single submitter. Criteria: Ambry Variant Classification Scheme 2023. Collection method: clinical testing. Allele origin: germline.

PreventionGenetics, part of Exact Sciences
Classification: Uncertain significance for AARS1-related condition. Last evaluated: 2025-10-15. Review status: criteria provided, single submitter. Criteria: ACMG Guidelines, 2015. Collection method: clinical testing. Allele origin: germline.
Comment: The AARS1 c.1664G>T variant is predicted to result in the amino acid substitution p.Ser555Ile. To our knowledge, this variant has not been reported in the literature. This variant is reported in 0.0046% of alleles in individuals of European (non-Finnish) descent in gnomAD, which may be too frequent to be a primary cause of autosomal dominant disease. At this time, the clinical significance of this variant is uncertain due to the absence of conclusive functional and genetic evidence.

3billion
Classification: Likely benign for Developmental and epileptic encephalopathy, 29; Trichothiodystrophy 8, nonphotosensitive. Last evaluated: 2024-09-20. Review status: criteria provided, single submitter. Criteria: ACMG Guidelines, 2015. Collection method: clinical testing. Allele origin: germline. Affected: no.
Comment: The homozygous variant was found in patients diagnosed with another variant in a different gene, with no symptoms related to the gene containing the homozygous variant.

ARUP Laboratories, Molecular Genetics and Genomics, ARUP Laboratories
Classification: Uncertain significance. Last evaluated: 2024-08-30. Review status: criteria provided, single submitter. Criteria: ARUP Molecular Germline Variant Investigation Process 2024. Collection method: clinical testing. Allele origin: germline.
Comment: The AARS1 c.1664G>T; p.Ser555Ile variant (rs144982168), to our knowledge, is not reported in the medical literature but is reported in ClinVar (Variation ID: 245833). This variant is found in the general population with an overall allele frequency of 0.006% (16/282,882 alleles) in the Genome Aggregation Database (v2.1.1). Computational analyses are uncertain whether this variant is neutral or deleterious (REVEL: 0.252). Due to limited information, the clinical significance of this variant is uncertain at this time.

GeneDx
Classification: Uncertain significance. Last evaluated: 2016-12-21. Review status: criteria provided, single submitter. Criteria: GeneDx Variant Classification (06012015). Collection method: clinical testing. Allele origin: germline. Affected: yes.
Comment: The S555I variant in the AARS gene has not been published as a mutation, nor has it been reported as a benign polymorphism to our knowledge. The S555I variant was not observed in approximately 6,500 individuals of European and African American ancestry in the NHLBI Exome Sequencing Project, indicating it is not a common benign variant in these populations. The S555I variant is a non-conservative amino acid substitution, which is likely to impact secondary protein structure as these residues differ in polarity, charge, size and/or other properties. This substitution occurs at a position where amino acids with similar properties to Serine are tolerated across species. However, in silico analysis is inconsistent in its predictions as to whether or not the variant is damaging to the protein structure/function. We interpret S555I as a variant of uncertain significance.